The following is an entry in ClinVar:

NM_203447.4(DOCK8):c.3636C>T (p.Ala1212=)

Gene: DOCK8 (dedicator of cytokinesis 8; plus strand). Cytogenetic location: 9p24.3.
Variant type: single nucleotide variant.
Coding change: c.3636C>T on transcript NM_203447.4 (MANE Select); coding-DNA position 3636, C replaced by T.
Protein change: p.Ala1212=; no amino-acid change (alanine 1212 retained).
Molecular consequence: synonymous variant.
Genome position (GRCh38, 1-based): chr9:414,887, C>T. VCF-style: chr9-414887-C-T. GRCh37 (hg19) VCF-style: chr9-414887-C-T.
Other names: c.3336C>T, p.Ala1112= (NM_001190458.2); c.3432C>T, p.Ala1144= (NM_001193536.2).
Identifiers: ClinVar variation 380623 (VCV000380623.10), dbSNP rs745506610, ClinGen allele CA4958766.
Genomic context (GRCh38, chr9:414,887, plus strand): 5'-GCTAAGTTCTCACGACCTGGACCCACGCTGTGTCAAACCAGAGGTGAAGGTCAAAATCGC[C>T]GCCCTTTACCTACCTTTAGTTGGCATCATTTTGGATGCTTTGCCACAGCTCTGTGACTTT-3'
Protein context (NP_982272.2, residues 1202-1222): CVKPEVKVKI[Ala1212=]ALYLPLVGII

ClinVar aggregate classification (germline): Likely benign. Review status: criteria provided, multiple submitters, no conflicts (2 of 4 stars). 3 submissions from 3 submitters: Likely benign (3). Last evaluated 2025-10-24.

Conditions:
Combined immunodeficiency due to DOCK8 deficiency (HIES2). Also called: HIES autosomal recessive; Hyper-IgE recurrent infection syndrome, autosomal recessive; DOCK8 Deficiency; HYPER-IgE SYNDROME 2, AUTOSOMAL RECESSIVE, WITH RECURRENT INFECTIONS; HYPER-IgE RECURRENT INFECTION SYNDROME 2, AUTOSOMAL RECESSIVE. Identifiers: Orphanet 217390, MedGen C4722305, MONDO:0009478, OMIM 243700.

Allele frequency attached by ClinVar (database versions not stated): gnomAD 0.00001; gnomAD exomes 0.00001 and 0.00004; ExAC 0.00002; TOPMed 0.00003.
gnomAD v4.1: 20 of 1,614,080 alleles (0.0012%); highest among the groups gnomAD compares: South Asian, 0.0055%; 1 homozygote.

Submissions (3):

Labcorp Genetics (formerly Invitae), Labcorp
Classification: Likely benign for Combined immunodeficiency due to DOCK8 deficiency. Last evaluated: 2025-10-24. Review status: criteria provided, single submitter. Criteria: Invitae Variant Classification Sherloc (09022015). Collection method: clinical testing. Allele origin: germline.

Blueprint Genetics
Classification: Likely benign. Last evaluated: 2023-10-30. Review status: criteria provided, single submitter. Criteria: ACMG Guidelines, 2015. Collection method: clinical testing. Allele origin: germline.

GeneDx
Classification: Likely benign. Last evaluated: 2015-10-13. Review status: criteria provided, single submitter. Criteria: GeneDx Variant Classification (06012015). Collection method: clinical testing. Allele origin: germline. Affected: yes.
Comment: This variant is considered likely benign or benign based on one or more of the following criteria: it is a conservative change, it occurs at a poorly conserved position in the protein, it is predicted to be benign by multiple in silico algorithms, and/or has population frequency not consistent with disease.